The following is an entry in ClinVar:

NM_033100.4(CDHR1):c.2155A>T (p.Ile719Phe)

Gene: CDHR1 (cadherin related family member 1; plus strand). Cytogenetic location: 10q23.1.
Variant type: single nucleotide variant.
Coding change: c.2155A>T on transcript NM_033100.4 (MANE Select); coding-DNA position 2155, A replaced by T.
Protein change: p.Ile719Phe; replaces isoleucine 719 with phenylalanine.
Molecular consequence: missense variant. On other transcripts: intron variant (1).
Genome position (GRCh38, 1-based): chr10:84,214,196, A>T. VCF-style: chr10-84214196-A-T. GRCh37 (hg19) VCF-style: chr10-85973952-A-T.
Other names: c.2040+848A>T (NM_001171971.3); c.2155A>T (NM_033100.2); short protein forms I719F.
Identifiers: ClinVar variation 1176549 (VCV001176549.37), dbSNP rs772664931, ClinGen allele CA5580157.
Genomic context (GRCh38, chr10:84,214,196, plus strand): 5'-ATGAAGGCCGTGGGTGTGCTGGCCGGCACCATGGCCACCGTCGTGGCCATCACTGTCCTC[A>T]TCTCCACCGCCACCTTCTGGCGCAACAAGAAGTCTAACAAGGTCCTGCCAATGCGGCGGG-3'
Protein context (NP_149091.1, residues 709-729): MATVVAITVL[Ile719Phe]STATFWRNKK

ClinVar aggregate classification (germline): Uncertain significance. Review status: criteria provided, multiple submitters, no conflicts (2 of 4 stars). 3 submissions from 3 submitters: Uncertain significance (3). Last evaluated 2025-03-26.

Conditions:
Inborn genetic diseases. Identifiers: MedGen C0950123, MeSH D030342.

Allele frequency attached by ClinVar (database versions not stated): TOPMed below 0.00001; ExAC 0.00001; gnomAD exomes 0.00001.
gnomAD v4.1: 14 of 1,614,104 alleles (0.00087%); highest among the groups gnomAD compares: Non-Finnish European, 0.0011%; no homozygotes.

Submissions (3):

Ambry Genetics
Classification: Uncertain significance for Inborn genetic diseases. Last evaluated: 2025-03-26. Review status: criteria provided, single submitter. Criteria: Ambry Variant Classification Scheme 2023. Collection method: clinical testing. Allele origin: germline.

Labcorp Genetics (formerly Invitae), Labcorp
Classification: Uncertain significance. Last evaluated: 2022-04-08. Review status: criteria provided, single submitter. Criteria: Invitae Variant Classification Sherloc (09022015). Collection method: clinical testing. Allele origin: germline.
Comment: This sequence change replaces isoleucine, which is neutral and non-polar, with phenylalanine, which is neutral and non-polar, at codon 719 of the CDHR1 protein (p.Ile719Phe). This variant is present in population databases (rs772664931, gnomAD 0.0009%). This variant has not been reported in the literature in individuals affected with CDHR1-related conditions. ClinVar contains an entry for this variant (Variation ID: 1176549). Advanced modeling of protein sequence and biophysical properties (such as structural, functional, and spatial information, amino acid conservation, physicochemical variation, residue mobility, and thermodynamic stability) performed at Invitae indicates that this missense variant is not expected to disrupt CDHR1 protein function. In summary, the available evidence is currently insufficient to determine the role of this variant in disease. Therefore, it has been classified as a Variant of Uncertain Significance.

CeGaT Center for Human Genetics Tuebingen
Classification: Uncertain significance. Last evaluated: 2021-05-01. Review status: criteria provided, single submitter. Criteria: CeGaT Center For Human Genetics Tuebingen Variant Classification Criteria Version 2. Collection method: clinical testing. Allele origin: germline. Affected: yes. Observed: 1 variant allele.